The following is an entry in ClinVar:

ClinVar aggregate classification (germline): Uncertain significance (1 of 4 stars; one submission).

Submission:

Labcorp Genetics (formerly Invitae), Labcorp
Classification: Uncertain significance. Last evaluated: 2021-07-22. Review status: criteria provided, single submitter. Criteria: Invitae Variant Classification Sherloc (09022015). Collection method: clinical testing. Allele origin: germline.
Comment: This variant is not present in population databases (ExAC no frequency). This sequence change replaces methionine with leucine at codon 265 of the PLK4 protein (p.Met265Leu). The methionine residue is highly conserved and there is a small physicochemical difference between methionine and leucine. This variant has not been reported in the literature in individuals affected with PLK4-related conditions. In summary, the available evidence is currently insufficient to determine the role of this variant in disease. Therefore, it has been classified as a Variant of Uncertain Significance. Algorithms developed to predict the effect of missense changes on protein structure and function are either unavailable or do not agree on the potential impact of this missense change (SIFT: "Deleterious"; PolyPhen-2: "Benign"; Align-GVGD: "Class C0").

NM_014264.5(PLK4):c.793A>T (p.Met265Leu)

Gene: PLK4 (polo like kinase 4; plus strand). Cytogenetic location: 4q28.1.
Variant type: single nucleotide variant.
Coding change: c.793A>T on transcript NM_014264.5 (MANE Select); coding-DNA position 793, A replaced by T.
Protein change: p.Met265Leu; replaces methionine 265 with leucine.
Molecular consequence: missense variant.
Genome position (GRCh38, 1-based): chr4:127,886,163, A>T. VCF-style: chr4-127886163-A-T. GRCh37 (hg19) VCF-style: chr4-128807318-A-T.
Other names: c.697A>T, p.Met233Leu (NM_001190799.2); c.670A>T, p.Met224Leu (NM_001190801.2); short protein forms M224L, M233L, M265L.
Identifiers: ClinVar variation 1502894 (VCV001502894.8), dbSNP rs377756201, ClinGen allele CA358150484.